The following is an entry in ClinVar:

ClinVar aggregate classification (germline): Uncertain significance (1 of 4 stars; one submission).

Conditions:
Arrhythmogenic right ventricular dysplasia 13. Also called: Arrhythmogenic right ventricular dysplasia, familial, 13; ARRHYTHMOGENIC RIGHT VENTRICULAR CARDIOMYOPATHY 13. Identifiers: MedGen C3810138, MONDO:0000908, OMIM 615616.

gnomAD v4.1: 3 of 1,613,776 alleles (0.00019%); highest among the groups gnomAD compares: Admixed American, 0.005%; no homozygotes.

Submission:

Labcorp Genetics (formerly Invitae), Labcorp
Classification: Uncertain significance for Arrhythmogenic right ventricular dysplasia 13. Last evaluated: 2025-06-15. Review status: criteria provided, single submitter. Criteria: Invitae Variant Classification Sherloc (09022015). Collection method: clinical testing. Allele origin: germline.
Comment: This sequence change replaces threonine, which is neutral and polar, with alanine, which is neutral and non-polar, at codon 320 of the CTNNA3 protein (p.Thr320Ala). This variant is present in population databases (no rsID available, gnomAD 0.003%). This variant has not been reported in the literature in individuals affected with CTNNA3-related conditions. Invitae Evidence Modeling of protein sequence and biophysical properties (such as structural, functional, and spatial information, amino acid conservation, physicochemical variation, residue mobility, and thermodynamic stability) indicates that this missense variant is expected to disrupt CTNNA3 protein function with a positive predictive value of 80%. In summary, the available evidence is currently insufficient to determine the role of this variant in disease. Therefore, it has been classified as a Variant of Uncertain Significance.

NM_013266.4(CTNNA3):c.958A>G (p.Thr320Ala)

Gene: CTNNA3 (catenin alpha 3; minus strand). Cytogenetic location: 10q21.3.
Variant type: single nucleotide variant.
Coding change: c.958A>G on transcript NM_013266.4 (MANE Select); coding-DNA position 958, A replaced by G.
Protein change: p.Thr320Ala; replaces threonine 320 with alanine.
Molecular consequence: missense variant.
Genome position (GRCh38, 1-based): chr10:67,180,406, T>C on the plus strand (A>G on the coding strand, the complement: CTNNA3 is on the minus strand). VCF-style: chr10-67180406-T-C. GRCh37 (hg19) VCF-style: chr10-68940164-T-C.
Other names: c.958A>G, p.Thr320Ala (NM_001127384.3); c.994A>G, p.Thr332Ala (NM_001291133.2); short protein forms T320A, T332A.
Identifiers: ClinVar variation 4694120 (VCV004694120.1).